The following is an entry in ClinVar:

NM_003073.5(SMARCB1):c.995C>T (p.Pro332Leu)

Gene: SMARCB1 (SWI/SNF related BAF chromatin remodeling complex subunit B1; plus strand). Cytogenetic location: 22q11.23.
Variant type: single nucleotide variant.
Coding change: c.995C>T on transcript NM_003073.5 (MANE Select); coding-DNA position 995, C replaced by T.
Protein change: p.Pro332Leu; replaces proline 332 with leucine.
Molecular consequence: missense variant.
Genome position (GRCh38, 1-based): chr22:23,833,580, C>T. VCF-style: chr22-23833580-C-T. GRCh37 (hg19) VCF-style: chr22-24175767-C-T.
Other names: c.968C>T, p.Pro323Leu (NM_001007468.3); c.1022C>T, p.Pro341Leu (NM_001317946.2); c.1049C>T, p.Pro350Leu (NM_001362877.2); c.995C>T (NM_003073.3); short protein forms P323L, P350L, P332L, P341L.
Identifiers: ClinVar variation 1492253 (VCV001492253.9), dbSNP rs2146041698, ClinGen allele CA410912911.
Genomic context (GRCh38, chr22:23,833,580, plus strand): 5'-CTCCATCTATAGCTGGAAAAGTCATTCCTCTCACTGCCTCCCCTCCTCGTAGCGAGAACC[C>T]TCTGCCCACAGTGGAGATTGCCATCCGGAACACGGGCGATGCGGACCAGTGGTGCCCACT-3'
Protein context (NP_003064.2, residues 322-342): HQKTYAFSEN[Pro332Leu]LPTVEIAIRN

ClinVar aggregate classification (germline): Uncertain significance. Review status: criteria provided, multiple submitters, no conflicts (2 of 4 stars). 2 submissions from 2 submitters: Uncertain significance (2). Last evaluated 2025-07-03.

Conditions:
Hereditary cancer-predisposing syndrome. Also called: Tumor predisposition; Hereditary neoplastic syndrome; Neoplastic Syndromes, Hereditary; Hereditary Cancer Syndrome. Identifiers: Orphanet 140162, MedGen C0027672, MeSH D009386, MONDO:0015356.

Submissions (2):

Ambry Genetics
Classification: Uncertain significance for Hereditary cancer-predisposing syndrome. Last evaluated: 2025-07-03. Review status: criteria provided, single submitter. Criteria: Ambry Variant Classification Scheme 2023. Collection method: clinical testing. Allele origin: germline.
Comment: The p.P332L variant (also known as c.995C>T), located in coding exon 8 of the SMARCB1 gene, results from a C to T substitution at nucleotide position 995. The proline at codon 332 is replaced by leucine, an amino acid with similar properties. This amino acid position is conserved. In addition, the in silico prediction for this alteration is inconclusive. Based on the available evidence, the clinical significance of this variant remains unclear.

Labcorp Genetics (formerly Invitae), Labcorp
Classification: Uncertain significance. Last evaluated: 2021-01-31. Review status: criteria provided, single submitter. Criteria: Invitae Variant Classification Sherloc (09022015). Collection method: clinical testing. Allele origin: germline.
Comment: This variant has not been reported in the literature in individuals with SMARCB1-related conditions. This variant is not present in population databases (ExAC no frequency). This sequence change replaces proline with leucine at codon 332 of the SMARCB1 protein (p.Pro332Leu). The proline residue is highly conserved and there is a moderate physicochemical difference between proline and leucine. Algorithms developed to predict the effect of missense changes on protein structure and function (SIFT, PolyPhen-2, Align-GVGD) all suggest that this variant is likely to be disruptive, but these predictions have not been confirmed by published functional studies and their clinical significance is uncertain. In summary, the available evidence is currently insufficient to determine the role of this variant in disease. Therefore, it has been classified as a Variant of Uncertain Significance.